The following is an entry in ClinVar:

NM_006017.3(PROM1):c.1982T>C (p.Leu661Ser)

Gene: PROM1 (prominin 1; minus strand). Cytogenetic location: 4p15.32.
Variant type: single nucleotide variant.
Coding change: c.1982T>C on transcript NM_006017.3 (MANE Select); coding-DNA position 1982, T replaced by C.
Protein change: p.Leu661Ser; replaces leucine 661 with serine.
Molecular consequence: missense variant.
Genome position (GRCh38, 1-based): chr4:15,991,223, A>G on the plus strand (T>C on the coding strand, the complement: PROM1 is on the minus strand). VCF-style: chr4-15991223-A-G. GRCh37 (hg19) VCF-style: chr4-15992846-A-G.
Other names: c.1955T>C, p.Leu652Ser (NM_001145847.2, NM_001145848.2, NM_001145851.2 and 4 more transcripts); c.1982T>C, p.Leu661Ser (NM_001145849.2, NM_001145850.2); short protein forms L661S, L652S.
Identifiers: ClinVar variation 347982 (VCV000347982.48), dbSNP rs372632641, ClinGen allele CA2866570.
Genomic context (GRCh38, chr4:15,991,223, plus strand): 5'-GGTACTGACATTTGACATCTACAACTACTACAGTATTTAACCGGACGATTTGAACTCACC[A>G]AACTGTTTGCTTTTGCTTCTAGATCATATGCAAATGATAAAAGATTCACTCCTGCGGGGG-3'
Protein context (NP_006008.1, residues 651-671): AYDLEAKANS[Leu661Ser]PPGNLRNSLK

ClinVar aggregate classification (germline): Uncertain significance. Review status: criteria provided, multiple submitters, no conflicts (2 of 4 stars). 8 submissions from 5 submitters: Uncertain significance (7). 1 of the submissions does not count toward it. Last evaluated 2025-05-19.

Conditions:
Cone-rod dystrophy 12 (CORD12). Identifiers: Orphanet 1872, MedGen C2675210, MONDO:0012983, OMIM 612657.
Inborn genetic diseases. Identifiers: MedGen C0950123, MeSH D030342.
Retinal macular dystrophy type 2 (MCDR2). Also called: Bull's eye macular dystrophy. Identifiers: Orphanet 319640, MedGen C4749334, MONDO:0011957, OMIM 608051.
Stargardt disease 4 (STGD4). Identifiers: Orphanet 827, MedGen C1863534, MONDO:0011370, OMIM 603786.
Retinal dystrophy. Also called: Inherited retinal dystrophy. Identifiers: Orphanet 71862, MedGen C0854723, MeSH D058499, MONDO:0019118, HP:0000556.
Retinitis pigmentosa (RP). Identifiers: Orphanet 791, MedGen C0035334, MeSH D012174, MONDO:0019200, OMIM 268000. Inheritance: Autosomal dominant, autosomal recessive and X linked inheritance.

Allele frequency attached by ClinVar (database versions not stated): TOPMed 0.00002; ESP Exome Variant Server 0.00008; gnomAD exomes 0.00001 and 0.00002; ExAC 0.00002; gnomAD 0.00002.
gnomAD v4.1: 34 of 1,607,010 alleles (0.0021%); highest among the groups gnomAD compares: Admixed American, 0.0034%; no homozygotes.

Submissions (8):

Ambry Genetics
Classification: Uncertain significance for Inborn genetic diseases. Last evaluated: 2025-05-19. Review status: criteria provided, single submitter. Criteria: Ambry Variant Classification Scheme 2023. Collection method: clinical testing. Allele origin: germline.

Labcorp Genetics (formerly Invitae), Labcorp
Classification: Uncertain significance. Last evaluated: 2022-12-29. Review status: criteria provided, single submitter. Criteria: Invitae Variant Classification Sherloc (09022015). Collection method: clinical testing. Allele origin: germline.
Comment: In summary, the available evidence is currently insufficient to determine the role of this variant in disease. Therefore, it has been classified as a Variant of Uncertain Significance. Algorithms developed to predict the effect of missense changes on protein structure and function are either unavailable or do not agree on the potential impact of this missense change (SIFT: "Deleterious"; PolyPhen-2: "Probably Damaging"; Align-GVGD: "Class C0"). ClinVar contains an entry for this variant (Variation ID: 347982). This variant has not been reported in the literature in individuals affected with PROM1-related conditions. This variant is present in population databases (rs372632641, gnomAD 0.006%). This sequence change replaces leucine, which is neutral and non-polar, with serine, which is neutral and polar, at codon 661 of the PROM1 protein (p.Leu661Ser).

CeGaT Center for Human Genetics Tuebingen
Classification: Uncertain significance. Last evaluated: 2021-10-01. Review status: criteria provided, single submitter. Criteria: CeGaT Center For Human Genetics Tuebingen Variant Classification Criteria Version 2. Collection method: clinical testing. Allele origin: germline. Affected: yes. Observed: 1 variant allele.

Illumina Laboratory Services, Illumina
Classification: Uncertain significance for Cone-rod dystrophy 12. Last evaluated: 2018-01-12. Review status: criteria provided, single submitter. Criteria: ICSL Variant Classification Criteria 13 December 2019. Collection method: clinical testing. Allele origin: germline.

Illumina Laboratory Services, Illumina
Classification: Uncertain significance for Stargardt disease 4. Last evaluated: 2018-01-12. Review status: criteria provided, single submitter. Criteria: ICSL Variant Classification Criteria 13 December 2019. Collection method: clinical testing. Allele origin: germline.

Illumina Laboratory Services, Illumina
Classification: Uncertain significance for Retinal macular dystrophy type 2. Last evaluated: 2018-01-12. Review status: criteria provided, single submitter. Criteria: ICSL Variant Classification Criteria 13 December 2019. Collection method: clinical testing. Allele origin: germline.

Illumina Laboratory Services, Illumina
Classification: Uncertain significance for Retinitis pigmentosa. Last evaluated: 2018-01-12. Review status: criteria provided, single submitter. Criteria: ICSL Variant Classification Criteria 13 December 2019. Collection method: clinical testing. Allele origin: germline.

Institute of Human Genetics, Univ. Regensburg, Univ. Regensburg
Classification: Uncertain significance for Retinal dystrophy. Last evaluated: 2018-01-01. Review status: no assertion criteria provided. Criteria: ACMG Guidelines, 2015. Collection method: clinical testing. Allele origin: germline. Affected: yes. Not counted in ClinVar's aggregate classification.